The following is an entry in ClinVar:

ClinVar aggregate classification (germline): Pathogenic (1 of 4 stars; one submission).

Conditions:
Salla disease (SD). Also called: Sialuria, Finnish type; N-acetylneuraminic acid (NANA) storage disease (NSD); Infantile sialic acid storage disorder (ISSD); Less Severe FSASD (Salla Disease). Identifiers: Orphanet 309334, Orphanet 834, MedGen C1096903, MONDO:0011449, OMIM 604369.

Submission:

Labcorp Genetics (formerly Invitae), Labcorp
Classification: Pathogenic for Salla disease. Last evaluated: 2020-01-14. Review status: criteria provided, single submitter. Criteria: Invitae Variant Classification Sherloc (09022015). Collection method: clinical testing. Allele origin: germline.
Comment: For these reasons, this variant has been classified as Pathogenic. Loss-of-function variants in SLC17A5 are known to be pathogenic (PMID: 10581036, 10947946, 15172001). This variant has not been reported in the literature in individuals with SLC17A5-related conditions. This variant is not present in population databases (ExAC no frequency). This sequence change creates a premature translational stop signal (p.Val53Cysfs*6) in the SLC17A5 gene. It is expected to result in an absent or disrupted protein product.

Literature cited by the submitters: PubMed 10581036; PubMed 10947946; PubMed 15172001.

NM_012434.5(SLC17A5):c.157del (p.Val53fs)

Gene: SLC17A5 (solute carrier family 17 member 5; minus strand). Cytogenetic location: 6q13.
Variant type: Deletion.
Coding change: c.157del on transcript NM_012434.5 (MANE Select); coding-DNA position 157, one base deleted (G; older notation c.157delG).
Protein change: p.Val53fs; shifts the reading frame from valine 53.
Molecular consequence: frameshift variant. On other transcripts: intron variant (2).
Genome position (GRCh38, 1-based): chr6:73,644,541, C deleted on the plus strand (G on the coding strand, the reverse complement: SLC17A5 is on the minus strand). VCF-style (leftmost placement, unchanged base first): chr6-73644540-AC-A. GRCh37 (hg19) VCF-style: chr6-74354263-AC-A.
Other names: c.157del, p.Val53fs (NM_001382635.1, NM_001382630.1, NM_001382632.1 and 2 more transcripts); c.61-2617del (NM_001382636.1, NM_001382629.1); c.178del, p.Val60fs (NM_001382631.1); short protein forms V53fs, V60fs.
Identifiers: ClinVar variation 1073504 (VCV001073504.7), dbSNP rs2150120881, ClinGen allele CA2499218524.